The following is an entry in ClinVar:

NM_014694.4(ADAMTSL2):c.1090G>A (p.Val364Ile)

Gene: ADAMTSL2 (ADAMTS like 2; plus strand). Cytogenetic location: 9q34.2.
Variant type: single nucleotide variant.
Coding change: c.1090G>A on transcript NM_014694.4 (MANE Select); coding-DNA position 1090, G replaced by A.
Protein change: p.Val364Ile; replaces valine 364 with isoleucine.
Molecular consequence: missense variant.
Genome position (GRCh38, 1-based): chr9:133,554,507, G>A. VCF-style: chr9-133554507-G-A. GRCh37 (hg19) VCF-style: chr9-136419629-G-A.
Other names: c.1090G>A, p.Val364Ile (NM_001145320.2); short protein forms V364I.
Identifiers: ClinVar variation 912901 (VCV000912901.14), dbSNP rs35767802, ClinGen allele CA200972193.

ClinVar aggregate classification (germline): Benign/Likely benign. Review status: criteria provided, multiple submitters, no conflicts (2 of 4 stars). 7 submissions from 7 submitters: Benign (4); Likely benign (3). Last evaluated 2025-02-16.

Conditions:
Geleophysic dysplasia 1 (GPHYSD1). Also called: Geleophysic dwarfism. Identifiers: Orphanet 2623, MedGen C3278147, MONDO:0009269, OMIM 231050.

Allele frequency attached by ClinVar (database versions not stated): gnomAD 0.24762 and 0.25137; TOPMed 0.25548; 1000 Genomes Project 30x 0.28935.
gnomAD v4.1: 391,962 of 1,550,028 alleles (25%); highest among the groups gnomAD compares: East Asian, 41%; 50,937 homozygotes.

Submissions (7):

Laboratory of Genetics, Children's Clinical University Hospital Latvia
Classification: Benign. Last evaluated: 2025-02-16. Review status: criteria provided, single submitter. Criteria: ACMG Guidelines, 2015. Collection method: clinical testing. Allele origin: germline. Affected: yes.

Mendelics
Classification: Benign. Last evaluated: 2022-05-04. Review status: criteria provided, single submitter. Criteria: Mendelics Assertion Criteria 2019. Collection method: clinical testing. Allele origin: germline.

Institute for Clinical Genetics, University Hospital TU Dresden, University Hospital TU Dresden
Classification: Likely benign. Last evaluated: 2021-11-03. Review status: criteria provided, single submitter. Criteria: ACMG Guidelines, 2015. Collection method: clinical testing. Allele origin: germline.

GeneDx
Classification: Likely benign. Last evaluated: 2021-02-16. Review status: criteria provided, single submitter. Criteria: GeneDx Variant Classification Process June 2021. Collection method: clinical testing. Allele origin: germline. Affected: yes.
Comment: This variant is associated with the following publications: (PMID: 30174453)

Victorian Clinical Genetics Services, Murdoch Childrens Research Institute
Classification: Likely benign for Geleophysic dysplasia 1. Last evaluated: 2020-05-21. Review status: criteria provided, single submitter. Criteria: ACMG Guidelines, 2015. Collection method: clinical testing. Allele origin: germline. Inheritance: Autosomal recessive inheritance.
Comment: A heterozygous missense variant was identified, NM_001145320.1(ADAMTSL2):c.1090G>A in exon 10 of the ADAMTSL2 gene. This substitution is predicted to create a minor amino acid change from a valine to an isoleucine at position 364 of the protein; NP_001138792.1(ADAMTSL2):p.(Val364Ile). The valine at this position has low conservation (100 vertebrates, UCSC), and is not situated in a known functional domain (NCBI, PDB). In silico software predicts this variant to be tolerated (PolyPhen2, PROVEAN, FATHMM, Mutation Assessor). The variant is not present in the gnomAD population database. This variant has been previously reported as not compatible with a patient’s phenotype in an individual with intellectual disability (Carneiro, TN. et al. (2018)). Based on information available at the time of curation, this variant has been classified as LIKELY BENIGN. Legend: (P) - Pathogenic, (N) - Neutral, (B) - Benign

Women's Health and Genetics/Laboratory Corporation of America, LabCorp
Classification: Benign. Last evaluated: 2020-02-14. Review status: criteria provided, single submitter. Criteria: LabCorp Variant Classification Summary - May 2015. Collection method: clinical testing. Allele origin: germline.
Comment: Variant summary: ADAMTSL2 c.1090G>A (p.Val364Ile) results in a conservative amino acid change in the encoded protein sequence. Five of five in-silico tools predict a benign effect of the variant on protein function. The variant was absent in 130426 control chromosomes in gnomAD v2 database. However, the variant allele was found at a frequency of 0.2482 in 143110 control chromosomes in gnomAD v3 database, including 4557 homozygotes. In addition, allele frequency of this variant was 0.2599 in 2120 control chromosomes in HGVD-Kyoto database, including 125 homozygotes, strongly suggesting that the variant is benign. To our knowledge, no experimental evidence demonstrating its impact on protein function have been reported. No clinical diagnostic laboratories have submitted clinical-significance assessments for this variant to ClinVar after 2014. Based on the evidence outlined above, the variant was classified as benign.

Illumina Laboratory Services, Illumina
Classification: Benign for Geleophysic dysplasia 1. Last evaluated: 2017-04-27. Review status: criteria provided, single submitter. Criteria: ICSL Variant Classification Criteria 13 December 2019. Collection method: clinical testing. Allele origin: germline.
Comment: This variant was observed as part of a predisposition screen in an ostensibly healthy population. A literature search was performed for the gene, cDNA change, and amino acid change (where applicable). No publications were found based on this search. Allele frequency data from public databases was too high to be consistent with this variant causing disease. Therefore, this variant is classified as benign.

Literature cited by the submitters: PubMed 30174453 (cited by Victorian Clinical Genetics Services, Murdoch Childrens Research Institute).